The following is an entry in ClinVar:

ClinVar aggregate classification (germline): Uncertain significance (1 of 4 stars; one submission).

Submission:

GeneDx
Classification: Uncertain significance. Last evaluated: 2026-01-30. Review status: criteria provided, single submitter. Criteria: GeneDx Variant Classification Process June 2021. Collection method: clinical testing. Allele origin: germline.
Comment: Not observed at significant frequency in large population cohorts (gnomAD); In silico analysis supports that this missense variant has a deleterious effect on protein structure/function; Has not been previously published as pathogenic or benign to our knowledge

NM_015557.3(CHD5):c.2057T>G (p.Phe686Cys)

Gene: CHD5 (chromodomain helicase DNA binding protein 5; minus strand). Cytogenetic location: 1p36.31.
Variant type: single nucleotide variant.
Coding change: c.2057T>G on transcript NM_015557.3 (MANE Select); coding-DNA position 2057, T replaced by G.
Protein change: p.Phe686Cys; replaces phenylalanine 686 with cysteine.
Molecular consequence: missense variant.
Genome position (GRCh38, 1-based): chr1:6,142,592, A>C on the plus strand (T>G on the coding strand, the complement: CHD5 is on the minus strand). VCF-style: chr1-6142592-A-C. GRCh37 (hg19) VCF-style: chr1-6202652-A-C.
Other names: short protein forms F686C.
Identifiers: ClinVar variation 4975747 (VCV004975747.1).